The following is an entry in ClinVar:

ClinVar aggregate classification (germline): Uncertain significance (1 of 4 stars; one submission).

Conditions:
Marfan syndrome (MFS). Also called: FBN1-Related Marfan Syndrome; MARFAN SYNDROME, TYPE I; Marfan syndrome type 1; Marfan's syndrome; Marfan syndrome, classic. Identifiers: Orphanet 284963, Orphanet 558, MedGen C0024796, MONDO:0007947, OMIM 154700.

Submission:

MVZ Medizinische Genetik Mainz
Classification: Uncertain significance for Marfan syndrome. Last evaluated: 2026-02-24. Review status: criteria provided, single submitter. Criteria: UK Practice Guidelines For Variant Classification V4 01 2020. Collection method: clinical testing. Allele origin: germline. Inheritance: Autosomal dominant inheritance. Affected: yes. Observed: 1 variant allele.
Comment: ACMG Criteria: PM2_SUP,PP2

NM_000138.5(FBN1):c.3566C>T (p.Thr1189Ile)

Gene: FBN1 (fibrillin 1; minus strand). Cytogenetic location: 15q21.1.
Variant type: single nucleotide variant.
Coding change: c.3566C>T on transcript NM_000138.5 (MANE Select); coding-DNA position 3566, C replaced by T.
Protein change: p.Thr1189Ile; replaces threonine 1189 with isoleucine.
Molecular consequence: missense variant.
Genome position (GRCh38, 1-based): chr15:48,487,098, G>A on the plus strand (C>T on the coding strand, the complement: FBN1 is on the minus strand). VCF-style: chr15-48487098-G-A. GRCh37 (hg19) VCF-style: chr15-48779295-G-A.
Other names: c.3566C>T, p.Thr1189Ile (NM_001406716.1); short protein forms T1189I.
Identifiers: ClinVar variation 4818866 (VCV004818866.1).